The following is an entry in ClinVar:

ClinVar aggregate classification (germline): Uncertain significance (1 of 4 stars; one submission).

Allele frequency attached by ClinVar (database versions not stated): gnomAD 0.00001; gnomAD exomes 0.00001; TOPMed 0.00001; ExAC 0.00004; 1000 Genomes Project 30x 0.00016.
gnomAD v4.1: 22 of 1,613,758 alleles (0.0014%); highest among the groups gnomAD compares: South Asian, 0.0022%; no homozygotes.

Submission:

Labcorp Genetics (formerly Invitae), Labcorp
Classification: Uncertain significance. Last evaluated: 2023-02-16. Review status: criteria provided, single submitter. Criteria: Invitae Variant Classification Sherloc (09022015). Collection method: clinical testing. Allele origin: germline.
Comment: This sequence change replaces alanine, which is neutral and non-polar, with valine, which is neutral and non-polar, at codon 166 of the RBP4 protein (p.Ala166Val). This variant is present in population databases (rs780950382, gnomAD 0.005%). This variant has not been reported in the literature in individuals affected with RBP4-related conditions. Algorithms developed to predict the effect of missense changes on protein structure and function output the following: SIFT: "Not Available"; PolyPhen-2: "Benign"; Align-GVGD: "Not Available". The valine amino acid residue is found in multiple mammalian species, which suggests that this missense change does not adversely affect protein function. In summary, the available evidence is currently insufficient to determine the role of this variant in disease. Therefore, it has been classified as a Variant of Uncertain Significance.

NM_006744.4(RBP4):c.497C>T (p.Ala166Val)

Gene: RBP4 (retinol binding protein 4; minus strand). Cytogenetic location: 10q23.33.
Variant type: single nucleotide variant.
Coding change: c.497C>T on transcript NM_006744.4 (MANE Select); coding-DNA position 497, C replaced by T.
Protein change: p.Ala166Val; replaces alanine 166 with valine.
Molecular consequence: missense variant.
Genome position (GRCh38, 1-based): chr10:93,593,894, G>A on the plus strand (C>T on the coding strand, the complement: RBP4 is on the minus strand). VCF-style: chr10-93593894-G-A. GRCh37 (hg19) VCF-style: chr10-95353651-G-A.
Other names: c.497C>T, p.Ala166Val (NM_001323517.1); c.491C>T, p.Ala164Val (NM_001323518.2); short protein forms A164V, A166V.
Identifiers: ClinVar variation 2987902 (VCV002987902.3), dbSNP rs780950382, ClinGen allele CA5609535.